The following is an entry in ClinVar:

ClinVar aggregate classification (germline): Uncertain significance (1 of 4 stars; one submission).

Conditions:
Actin accumulation myopathy (CMYO2A). Also called: CONGENITAL MYOPATHY 2A, TYPICAL, AUTOSOMAL DOMINANT; Myopathy, actin, congenital, with cores; Nemaline myopathy 3, with intranuclear rods; Nemaline myopathy type 3; Myopathy, actin, congenital, with excess of thin myofilaments. Identifiers: Orphanet 98904, MedGen C3711389, MONDO:0008070, OMIM 161800.

Allele frequency attached by ClinVar (database versions not stated): gnomAD exomes below 0.00001.
gnomAD v4.1: 1 of 1,614,136 alleles (0.000062%); highest among the groups gnomAD compares: Non-Finnish European, 0.000085%; no homozygotes.

Submission:

Labcorp Genetics (formerly Invitae), Labcorp
Classification: Uncertain significance for Actin accumulation myopathy. Last evaluated: 2022-10-17. Review status: criteria provided, single submitter. Criteria: Invitae Variant Classification Sherloc (09022015). Collection method: clinical testing. Allele origin: germline.
Comment: Variants that disrupt the consensus splice site are a relatively common cause of aberrant splicing (PMID: 17576681, 9536098). Algorithms developed to predict the effect of sequence changes on RNA splicing suggest that this variant is not likely to affect RNA splicing. In summary, the available evidence is currently insufficient to determine the role of this variant in disease. Therefore, it has been classified as a Variant of Uncertain Significance. This variant has not been reported in the literature in individuals affected with ACTA1-related conditions. This variant is not present in population databases (gnomAD no frequency). This sequence change falls in intron 2 of the ACTA1 gene. It does not directly change the encoded amino acid sequence of the ACTA1 protein. It affects a nucleotide within the consensus splice site.

Literature cited by the submitters: PubMed 17576681; PubMed 9536098.

NM_001100.4(ACTA1):c.130-3C>T

Gene: ACTA1 (actin alpha 1, skeletal muscle; minus strand). Cytogenetic location: 1q42.13.
Variant type: single nucleotide variant.
Coding change: c.130-3C>T on transcript NM_001100.4 (MANE Select); 3 bases into the intron before coding-DNA position 130, C replaced by T.
Molecular consequence: intron variant.
Genome position (GRCh38, 1-based): chr1:229,432,883, G>A on the plus strand (C>T on the coding strand, the complement: ACTA1 is on the minus strand). VCF-style: chr1-229432883-G-A. GRCh37 (hg19) VCF-style: chr1-229568630-G-A.
Identifiers: ClinVar variation 2133488 (VCV002133488.4), dbSNP rs2527439415, ClinGen allele CA2580062284.
Genomic context (GRCh38, chr1:229,432,883, plus strand): 5'-TGCTCTGAGCCTCGTCGCCCACGTAGGAATCTTTCTGACCCATACCGACCATGACGCCCT[G>A]CAGAGCCGAGACACCACGCACCCGTTAACGCCGCTCCGGGTGGCACCAGGCTGGCTTACG-3'